The following is an entry in ClinVar:

ClinVar aggregate classification (germline): Uncertain significance (1 of 4 stars; one submission).

Submission:

Labcorp Genetics (formerly Invitae), Labcorp
Classification: Uncertain significance. Last evaluated: 2023-12-21. Review status: criteria provided, single submitter. Criteria: Invitae Variant Classification Sherloc (09022015). Collection method: clinical testing. Allele origin: germline.
Comment: This variant results in the deletion of part of exon 5 (c.340_341+14del) of the CAMK2B gene. It is expected to disrupt RNA splicing. Variants that disrupt the donor or acceptor splice site typically lead to a loss of protein function (PMID: 16199547), however the current clinical and genetic evidence is not sufficient to establish whether loss-of-function variants in CAMK2B cause disease. This variant is not present in population databases (gnomAD no frequency). This variant has not been reported in the literature in individuals affected with CAMK2B-related conditions. In summary, the available evidence is currently insufficient to determine the role of this variant in disease. Therefore, it has been classified as a Variant of Uncertain Significance.

Literature cited by the submitters: PubMed 16199547.

NM_001220.5(CAMK2B):c.340_341+14del

Gene: CAMK2B (calcium/calmodulin dependent protein kinase II beta; minus strand). Cytogenetic location: 7p13.
Variant type: Deletion.
Coding change: c.340_341+14del on transcript NM_001220.5 (MANE Select); coding-DNA position 340 through 14 bases into the intron after coding-DNA position 341, 16 bases deleted (AGGTGGGTGCAGAGCC).
Molecular consequence: splice donor variant.
Genome position (GRCh38, 1-based): chr7:44,254,528-44,254,543, GGCTCTGCACCCACCT deleted on the plus strand (AGGTGGGTGCAGAGCC on the coding strand, the reverse complement: CAMK2B is on the minus strand); deleting any 16 consecutive bases within chr7:44,254,528-44,254,546 gives the same sequence; the c. name uses the placement nearest the transcript's 3' end. VCF-style (leftmost placement, unchanged base first): chr7-44254527-GGGCTCTGCACCCACCT-G. GRCh37 (hg19) VCF-style: chr7-44294126-GGGCTCTGCACCCACCT-G.
Other names: c.340_341+14del (NM_172079.3, NM_172082.3, NM_001293170.2 and 5 more transcripts).
Identifiers: ClinVar variation 2704759 (VCV002704759.3), dbSNP rs2486548258, ClinGen allele CA2697557244.
Genomic context (GRCh38, chr7:44,254,527, plus strand): 5'-GCAGGAGTGGGTGAAGGAGGGATGGTGAGGGTATAAAGGAAGAGGGACAGGACAGCGTGA[GGGCTCTGCACCCACCT>G]GGCATCAGCCTCGCTGTAGTACTCTCTCGCCACAATGTCTTCAAAGAGCTCCCCACCAGT-3'